The following is an entry in ClinVar:

ClinVar aggregate classification (germline): Benign/Likely benign. Review status: criteria provided, multiple submitters, no conflicts (2 of 4 stars). 4 submissions from 4 submitters: Benign (1); Likely benign (2). 1 of the submissions does not count toward it. Last evaluated 2026-01-08.

Conditions:
CTBP1-related disorder. Also called: CTBP1-related condition.

Allele frequency attached by ClinVar (database versions not stated): gnomAD exomes 0.00019 and 0.00037; ExAC 0.00054; ESP Exome Variant Server 0.00100; gnomAD 0.00121 and 0.00129; TOPMed 0.00133; 1000 Genomes Project 0.00140; 1000 Genomes Project 30x 0.00172.
gnomAD v4.1: 455 of 1,611,044 alleles (0.028%); highest among the groups gnomAD compares: African/African-American, 0.39%; no homozygotes.

Submissions (4):

Labcorp Genetics (formerly Invitae), Labcorp
Classification: Benign. Last evaluated: 2026-01-08. Review status: criteria provided, single submitter. Criteria: Invitae Variant Classification Sherloc (09022015). Collection method: clinical testing. Allele origin: germline.

CeGaT Center for Human Genetics Tuebingen
Classification: Likely benign. Last evaluated: 2026-01-01. Review status: criteria provided, single submitter. Criteria: CeGaT Center For Human Genetics Tuebingen Variant Classification Criteria Version 2. Collection method: clinical testing. Allele origin: germline. Affected: yes. Observed: 3 variant alleles.
Comment: CTBP1: BP4, BP7

Blueprint Genetics
Classification: Likely benign. Last evaluated: 2024-10-22. Review status: criteria provided, single submitter. Criteria: ACMG Guidelines, 2015. Collection method: clinical testing. Allele origin: germline.

PreventionGenetics, part of Exact Sciences
Classification: Likely benign for CTBP1-related condition. Last evaluated: 2019-06-06. Review status: no assertion criteria provided. Collection method: clinical testing. Allele origin: germline. Not counted in ClinVar's aggregate classification.
Comment: This variant is classified as likely benign based on ACMG/AMP sequence variant interpretation guidelines (Richards et al. 2015 PMID: 25741868, with internal and published modifications).

NM_001012614.2(CTBP1):c.711C>T (p.Asn237=)

Genes: CTBP1 (C-terminal binding protein 1; minus strand), CTBP1-AS (CTBP1 antisense RNA; plus strand). Cytogenetic location: 4p16.3.
Variant type: single nucleotide variant.
Coding change: c.711C>T on transcript NM_001012614.2 (MANE Select); coding-DNA position 711, C replaced by T.
Protein change: p.Asn237=; no amino-acid change (asparagine 237 retained).
Molecular consequence: synonymous variant. On other transcripts: non-coding transcript variant (1).
Genome position (GRCh38, 1-based): chr4:1,216,009, G>A on the plus strand (C>T on the coding strand, the complement: CTBP1 is on the minus strand). VCF-style: chr4-1216009-G-A. GRCh37 (hg19) VCF-style: chr4-1209797-G-A.
Other names: c.744C>T, p.Asn248= (NM_001328.3).
Identifiers: ClinVar variation 781977 (VCV000781977.29), dbSNP rs147464431, ClinGen allele CA2804331.